The following is an entry in ClinVar:

ClinVar aggregate classification (germline): Uncertain significance (1 of 4 stars; one submission).

Allele frequency attached by ClinVar (database versions not stated): gnomAD exomes below 0.00001; TOPMed below 0.00001; gnomAD 0.00001.
gnomAD v4.1: 4 of 1,607,420 alleles (0.00025%); highest among the groups gnomAD compares: Non-Finnish European, 0.00034%; no homozygotes.

Submission:

Labcorp Genetics (formerly Invitae), Labcorp
Classification: Uncertain significance. Last evaluated: 2023-12-06. Review status: criteria provided, single submitter. Criteria: Invitae Variant Classification Sherloc (09022015). Collection method: clinical testing. Allele origin: germline.
Comment: This sequence change replaces isoleucine, which is neutral and non-polar, with threonine, which is neutral and polar, at codon 2050 of the KMT2A protein (p.Ile2050Thr). This variant is present in population databases (no rsID available, gnomAD 0.002%). This variant has not been reported in the literature in individuals affected with KMT2A-related conditions. Advanced modeling of protein sequence and biophysical properties (such as structural, functional, and spatial information, amino acid conservation, physicochemical variation, residue mobility, and thermodynamic stability) performed at Invitae indicates that this missense variant is not expected to disrupt KMT2A protein function with a negative predictive value of 95%. In summary, the available evidence is currently insufficient to determine the role of this variant in disease. Therefore, it has been classified as a Variant of Uncertain Significance.

NM_001197104.2(KMT2A):c.6149T>C (p.Ile2050Thr)

Gene: KMT2A (lysine methyltransferase 2A; plus strand). Cytogenetic location: 11q23.3.
Variant type: single nucleotide variant.
Coding change: c.6149T>C on transcript NM_001197104.2 (MANE Select); coding-DNA position 6149, T replaced by C.
Protein change: p.Ile2050Thr; replaces isoleucine 2050 with threonine.
Molecular consequence: missense variant.
Genome position (GRCh38, 1-based): chr11:118,499,904, T>C. VCF-style: chr11-118499904-T-C. GRCh37 (hg19) VCF-style: chr11-118370619-T-C.
Other names: c.6239T>C, p.Ile2080Thr (NM_001412597.1); c.6140T>C, p.Ile2047Thr (NM_005933.4); short protein forms I2050T, I2080T, I2047T.
Identifiers: ClinVar variation 2823379 (VCV002823379.3), dbSNP rs1454124445, ClinGen allele CA382799998.